The following is an entry in ClinVar:

NM_000051.4(ATM):c.1126G>A (p.Glu376Lys)

Gene: ATM (ATM serine/threonine kinase; plus strand). Cytogenetic location: 11q22.3.
Variant type: single nucleotide variant.
Coding change: c.1126G>A on transcript NM_000051.4 (MANE Select); coding-DNA position 1126, G replaced by A.
Protein change: p.Glu376Lys; replaces glutamic acid 376 with lysine.
Molecular consequence: missense variant.
Genome position (GRCh38, 1-based): chr11:108,248,993, G>A. VCF-style: chr11-108248993-G-A. GRCh37 (hg19) VCF-style: chr11-108119720-G-A.
Other names: c.1126G>A, p.Glu376Lys (NM_001351834.2); short protein forms E376K.
Identifiers: ClinVar variation 818388 (VCV000818388.5), dbSNP rs1555069657, ClinGen allele CA382532434.

ClinVar aggregate classification (germline): Uncertain significance (1 of 4 stars; one submission).

Conditions:
Hereditary cancer-predisposing syndrome. Also called: Tumor predisposition; Hereditary neoplastic syndrome; Neoplastic Syndromes, Hereditary; Hereditary Cancer Syndrome. Identifiers: Orphanet 140162, MedGen C0027672, MeSH D009386, MONDO:0015356.

Submission:

Ambry Genetics
Classification: Uncertain significance for Hereditary cancer-predisposing syndrome. Last evaluated: 2023-06-06. Review status: criteria provided, single submitter. Criteria: Ambry Variant Classification Scheme 2023. Collection method: clinical testing. Allele origin: germline.
Comment: The p.E376K variant (also known as c.1126G>A), located in coding exon 8 of the ATM gene, results from a G to A substitution at nucleotide position 1126. The glutamic acid at codon 376 is replaced by lysine, an amino acid with similar properties. This amino acid position is not well conserved in available vertebrate species. In addition, this alteration is predicted to be tolerated by in silico analysis. Since supporting evidence is limited at this time, the clinical significance of this alteration remains unclear.